The following is an entry in ClinVar:

ClinVar aggregate classification (germline): Conflicting classifications of pathogenicity. Review status: criteria provided, conflicting classifications (1 of 4 stars). 16 submissions from 15 submitters: Uncertain significance (4); Benign (2); Likely benign (8). 2 of the submissions do not count toward it. Last evaluated 2026-08-01.

Conditions:
SH3TC2-related disorder. Also called: SH3TC2-related condition; SH3TC2-related disorders. Identifiers: MedGen CN239303.
Charcot-Marie-Tooth disease. Also called: Charcot-Marie-Tooth Hereditary Neuropathy; Charcot-Marie-Tooth Neuropathy. Identifiers: Orphanet 166, MedGen C0007959, MONDO:0015626.
Inborn genetic diseases. Identifiers: MedGen C0950123, MeSH D030342.
Charcot-Marie-Tooth disease type 4. Also called: Charcot-Marie-Tooth disease, type IV; Charcot-Marie-Tooth, Type 4. Identifiers: Orphanet 64749, MedGen C4082197, MONDO:0018995.
Charcot-Marie-Tooth disease type 4C (CMT4C). Also called: CHARCOT-MARIE-TOOTH DISEASE, DEMYELINATING, TYPE 4C; CHARCOT-MARIE-TOOTH DISEASE, DEMYELINATING, AUTOSOMAL RECESSIVE, TYPE 4C; SH3TC2-Related Hereditary Motor and Sensory Neuropathy; Charcot-Marie-Tooth Neuropathy Type 4C (CMT4C); CMT 4C. Identifiers: Orphanet 99949, MedGen C1866636, MONDO:0011113, OMIM 601596.
Susceptibility to mononeuropathy of the median nerve, mild. Also called: CARPAL TUNNEL SYNDROME, SUSCEPTIBILITY TO. Identifiers: MedGen C3150596, MONDO:0013237, OMIM 613353.

Allele frequency attached by ClinVar (database versions not stated): 1000 Genomes Project 0.00200; 1000 Genomes Project 30x 0.00234; ExAC 0.00248; gnomAD exomes 0.00262 and 0.00440; gnomAD 0.00306 and 0.00310; TOPMed 0.00328; ESP Exome Variant Server 0.00331.
gnomAD v4.1: 6,927 of 1,614,136 alleles (0.43%); highest among the groups gnomAD compares: Middle Eastern, 1.1%; 23 homozygotes.

Submissions (16):

CeGaT Center for Human Genetics Tuebingen
Classification: Likely benign. Last evaluated: 2026-08-01. Review status: criteria provided, single submitter. Criteria: CeGaT Center For Human Genetics Tuebingen Variant Classification Criteria Version 2. Collection method: clinical testing. Allele origin: germline. Affected: yes. Observed: 21 variant alleles.
Comment: SH3TC2: BS2

Labcorp Genetics (formerly Invitae), Labcorp
Classification: Likely benign for Charcot-Marie-Tooth disease type 4. Last evaluated: 2026-02-02. Review status: criteria provided, single submitter. Criteria: Invitae Variant Classification Sherloc (09022015). Collection method: clinical testing. Allele origin: germline.

ARUP Laboratories, Molecular Genetics and Genomics, ARUP Laboratories
Classification: Likely benign. Last evaluated: 2025-07-16. Review status: criteria provided, single submitter. Criteria: ARUP Molecular Germline Variant Investigation Process 2024. Collection method: clinical testing. Allele origin: germline.

Mayo Clinic Laboratories, Mayo Clinic
Classification: Likely benign. Last evaluated: 2025-07-08. Review status: criteria provided, single submitter. Criteria: ACMG Guidelines, 2015. Collection method: clinical testing. Allele origin: germline. Observed: 20 variant alleles.
Comment: BS1, PP3_moderate

Blueprint Genetics
Classification: Likely benign. Last evaluated: 2024-11-26. Review status: criteria provided, single submitter. Criteria: ACMG Guidelines, 2015. Collection method: clinical testing. Allele origin: germline.

Athena Diagnostics
Classification: Benign. Last evaluated: 2024-09-04. Review status: criteria provided, single submitter. Criteria: Athena Diagnostics Criteria. Collection method: clinical testing. Allele origin: unknown.

Ambry Genetics
Classification: Likely benign for Inborn genetic diseases. Last evaluated: 2021-06-22. Review status: criteria provided, single submitter. Criteria: Ambry Variant Classification Scheme 2023. Collection method: clinical testing. Allele origin: germline.

GeneDx
Classification: Likely benign. Last evaluated: 2020-08-25. Review status: criteria provided, single submitter. Criteria: GeneDx Variant Classification Process June 2021. Collection method: clinical testing. Allele origin: germline. Affected: yes.
Comment: This variant is associated with the following publications: (PMID: 21291453, 27884173, 25025039, 27582484, 32376792)

Mendelics
Classification: Benign for Charcot-Marie-Tooth disease type 4C. Last evaluated: 2019-05-28. Review status: criteria provided, single submitter. Criteria: Mendelics Assertion Criteria 2017. Collection method: clinical testing. Allele origin: unknown.

Illumina Laboratory Services, Illumina
Classification: Uncertain significance for Susceptibility to mononeuropathy of the median nerve, mild. Last evaluated: 2018-02-13. Review status: criteria provided, single submitter. Criteria: ICSL Variant Classification Criteria 13 December 2019. Collection method: clinical testing. Allele origin: germline.

Illumina Laboratory Services, Illumina
Classification: Uncertain significance for Charcot-Marie-Tooth disease type 4C. Last evaluated: 2017-04-27. Review status: criteria provided, single submitter. Criteria: ICSL Variant Classification Criteria 13 December 2019. Collection method: clinical testing. Allele origin: germline.
Comment: This variant was observed as part of a predisposition screen in an ostensibly healthy population. A literature search was performed for the gene, cDNA change, and amino acid change (where applicable). Publications were found based on this search. However, the evidence from the literature, in combination with allele frequency data from public databases where available, was not sufficient to rule this variant in or out of causing disease. Therefore, this variant is classified as a variant of unknown significance.

Eurofins Ntd Llc (ga)
Classification: Uncertain significance. Last evaluated: 2016-01-22. Review status: criteria provided, single submitter. Criteria: EGL Classification Definitions 2015. Collection method: clinical testing. Allele origin: germline. Observed: 1 variant allele, 1 heterozygote.

Genomic Diagnostic Laboratory, Division of Genomic Diagnostics, Children's Hospital of Philadelphia
Classification: Uncertain significance. Last evaluated: 2015-11-08. Review status: criteria provided, single submitter. Criteria: DGD Variant Analysis Guidelines. Collection method: clinical testing. Allele origin: unknown.

Molecular Genetics Laboratory, London Health Sciences Centre
Classification: Likely benign for Charcot-Marie-Tooth disease. Review status: criteria provided, single submitter. Criteria: ACMG Guidelines, 2015. Collection method: clinical testing. Allele origin: germline. Affected: yes.

PreventionGenetics, part of Exact Sciences
Classification: Likely benign for SH3TC2-related condition. Last evaluated: 2020-03-16. Review status: no assertion criteria provided. Collection method: clinical testing. Allele origin: germline. Not counted in ClinVar's aggregate classification.
Comment: This variant is classified as likely benign based on ACMG/AMP sequence variant interpretation guidelines (Richards et al. 2015 PMID: 25741868, with internal and published modifications).

Inherited Neuropathy Consortium
Classification: Uncertain significance for Charcot-Marie-Tooth disease. Review status: no assertion criteria provided. Collection method: literature only. Allele origin: germline. Affected: yes. Not counted in ClinVar's aggregate classification.

Literature cited by the submitters: PubMed 21291453 (cited by 4 submitters); PubMed 25025039 (cited by Athena Diagnostics and Ambry Genetics); PubMed 26392352 (cited by Athena Diagnostics and Ambry Genetics); PubMed 26257172 (cited by Athena Diagnostics and Ambry Genetics); PubMed 25188385 (cited by Athena Diagnostics).

NM_024577.4(SH3TC2):c.3686A>T (p.Asp1229Val)

Gene: SH3TC2 (SH3 domain and tetratricopeptide repeats 2; minus strand). Cytogenetic location: 5q32.
Variant type: single nucleotide variant.
Coding change: c.3686A>T on transcript NM_024577.4 (MANE Select); coding-DNA position 3686, A replaced by T.
Protein change: p.Asp1229Val; replaces aspartic acid 1229 with valine.
Molecular consequence: missense variant.
Genome position (GRCh38, 1-based): chr5:149,004,892, T>A on the plus strand (A>T on the coding strand, the complement: SH3TC2 is on the minus strand). VCF-style: chr5-149004892-T-A. GRCh37 (hg19) VCF-style: chr5-148384455-T-A.
Other names: short protein forms D1229V.
Identifiers: ClinVar variation 188089 (VCV000188089.81), dbSNP rs146920285, ClinGen allele CA334024.